The following is an entry in ClinVar:

NM_000981.4(RPL19):c.553A>T (p.Ile185Phe)

Gene: RPL19 (ribosomal protein L19; plus strand). Cytogenetic location: 17q12.
Variant type: single nucleotide variant.
Coding change: c.553A>T on transcript NM_000981.4 (MANE Select); coding-DNA position 553, A replaced by T.
Protein change: p.Ile185Phe; replaces isoleucine 185 with phenylalanine.
Molecular consequence: missense variant.
Genome position (GRCh38, 1-based): chr17:39,204,610, A>T. VCF-style: chr17-39204610-A-T. GRCh37 (hg19) VCF-style: chr17-37360863-A-T.
Other names: c.553A>T (NM_000981.3); c.547A>T, p.Ile183Phe (NM_001330200.1); short protein forms I183F, I185F.
Identifiers: ClinVar variation 1166593 (VCV001166593.11), dbSNP rs149983979, ClinGen allele CA8528971.

ClinVar aggregate classification (germline): Benign. Review status: criteria provided, single submitter (1 of 4 stars). 2 submissions from 2 submitters: Benign (1). 1 of the submissions does not count toward it. Last evaluated 2026-01-19.

Conditions:
RPL19-related disorder. Also called: RPL19-related condition.

Allele frequency attached by ClinVar (database versions not stated): ExAC 0.00618.

Submissions (2):

Labcorp Genetics (formerly Invitae), Labcorp
Classification: Benign. Last evaluated: 2026-01-19. Review status: criteria provided, single submitter. Criteria: Invitae Variant Classification Sherloc (09022015). Collection method: clinical testing. Allele origin: germline.

PreventionGenetics, part of Exact Sciences
Classification: Likely benign for RPL19-related condition. Last evaluated: 2023-03-15. Review status: no assertion criteria provided. Collection method: clinical testing. Allele origin: germline. Not counted in ClinVar's aggregate classification.
Comment: This variant is classified as likely benign based on ACMG/AMP sequence variant interpretation guidelines (Richards et al. 2015 PMID: 25741868, with internal and published modifications).